The following is an entry in ClinVar:

NM_024580.6(EFL1):c.270G>C (p.Leu90=)

Gene: EFL1 (elongation factor like GTPase 1; minus strand). Cytogenetic location: 15q25.2.
Variant type: single nucleotide variant.
Coding change: c.270G>C on transcript NM_024580.6 (MANE Select); coding-DNA position 270, G replaced by C.
Protein change: p.Leu90=; no amino-acid change (leucine 90 retained).
Molecular consequence: synonymous variant. On other transcripts: 5 prime UTR variant (1), non-coding transcript variant (1).
Genome position (GRCh38, 1-based): chr15:82,241,378, C>G on the plus strand (G>C on the coding strand, the complement: EFL1 is on the minus strand). VCF-style: chr15-82241378-C-G. GRCh37 (hg19) VCF-style: chr15-82533719-C-G.
Other names: c.117G>C, p.Leu39= (NM_001040610.3); c.-520G>C (NM_001322844.2); c.270G>C, p.Leu90= (NM_001322845.2); c.270G>C (NM_024580.5).
Identifiers: ClinVar variation 724363 (VCV000724363.14), dbSNP rs187290995, ClinGen allele CA7698320.

ClinVar aggregate classification (germline): Benign/Likely benign. Review status: criteria provided, multiple submitters, no conflicts (2 of 4 stars). 5 submissions from 5 submitters: Benign (1); Likely benign (2). 2 of the submissions do not count toward it. Last evaluated 2026-01-23.

Conditions:
EFL1-related disorder. Also called: EFL1-related condition.

Allele frequency attached by ClinVar (database versions not stated): 1000 Genomes Project 30x 0.00141; gnomAD exomes 0.00006 and 0.00018; ExAC 0.00023; ESP Exome Variant Server 0.00050; gnomAD 0.00070 and 0.00074; TOPMed 0.00076; 1000 Genomes Project 0.00100.
gnomAD v4.1: 206 of 1,614,056 alleles (0.013%); highest among the groups gnomAD compares: African/African-American, 0.25%; no homozygotes.

Submissions (5):

Women's Health and Genetics/Laboratory Corporation of America, LabCorp
Classification: Likely benign. Last evaluated: 2026-01-23. Review status: criteria provided, single submitter. Criteria: LabCorp Variant Classification Summary - May 2015. Collection method: clinical testing. Allele origin: germline.

Labcorp Genetics (formerly Invitae), Labcorp
Classification: Benign. Last evaluated: 2025-11-19. Review status: criteria provided, single submitter. Criteria: Invitae Variant Classification Sherloc (09022015). Collection method: clinical testing. Allele origin: germline.

Blueprint Genetics
Classification: Likely benign. Last evaluated: 2023-06-01. Review status: criteria provided, single submitter. Criteria: ACMG Guidelines, 2015. Collection method: clinical testing. Allele origin: germline.

Genetic Services Laboratory, University of Chicago
Classification: Likely benign. Last evaluated: 2022-07-19. Review status: no assertion criteria provided. Collection method: clinical testing. Allele origin: germline. Affected: no. Not counted in ClinVar's aggregate classification.

PreventionGenetics, part of Exact Sciences
Classification: Likely benign for EFL1-related condition. Last evaluated: 2019-10-28. Review status: no assertion criteria provided. Collection method: clinical testing. Allele origin: germline. Not counted in ClinVar's aggregate classification.
Comment: This variant is classified as likely benign based on ACMG/AMP sequence variant interpretation guidelines (Richards et al. 2015 PMID: 25741868, with internal and published modifications).